The following is an entry in ClinVar:

ClinVar aggregate classification (germline): Pathogenic (1 of 4 stars; one submission).

Conditions:
Neurofibromatosis, type 1 (NF1). Also called: VON RECKLINGHAUSEN DISEASE; NEUROFIBROMATOSIS, TYPE I, SOMATIC; Peripheral type neurofibromatosis; Neurofibromatosis, type I. Identifiers: Orphanet 636, MedGen C0027831, MONDO:0018975, OMIM 162200. Disease mechanism: loss of function.

Submission:

Labcorp Genetics (formerly Invitae), Labcorp
Classification: Pathogenic for Neurofibromatosis, type 1. Last evaluated: 2024-10-08. Review status: criteria provided, single submitter. Criteria: Invitae Variant Classification Sherloc (09022015). Collection method: clinical testing. Allele origin: germline.
Comment: This sequence change creates a premature translational stop signal (p.Val14Serfs*10) in the NF1 gene. It is expected to result in an absent or disrupted protein product. Loss-of-function variants in NF1 are known to be pathogenic (PMID: 10712197, 23913538). This variant is not present in population databases (gnomAD no frequency). This variant has not been reported in the literature in individuals affected with NF1-related conditions. For these reasons, this variant has been classified as Pathogenic.

Literature cited by the submitters: PubMed 10712197; PubMed 23913538.

NM_001042492.3(NF1):c.40del (p.Val14fs)

Genes: MIR4733HG (MIR4733 host gene; minus strand), NF1 (neurofibromin 1; plus strand), LOC111811965 (NF1 (neurofibromin 1) promoter region; plus strand). Cytogenetic location: 17q11.2.
Variant type: Deletion.
Coding change: c.40del on transcript NM_001042492.3 (MANE Select); coding-DNA position 40, one base deleted (G; older notation c.40delG).
Protein change: p.Val14fs; shifts the reading frame from valine 14.
Molecular consequence: frameshift variant. On other transcripts: non-coding transcript variant (1).
Genome position (GRCh38, 1-based): chr17:31,095,349, G deleted; the last of 2 consecutive G bases (chr17:31,095,348-31,095,349); deleting either gives the same sequence. VCF-style (leftmost placement, unchanged base first): chr17-31095347-TG-T. GRCh37 (hg19) VCF-style: chr17-29422365-TG-T.
Other names: c.40delG, p.Val14Serfs (NM_000267.4); c.40del, p.Val14fs (NM_001128147.3); short protein forms V14fs.
Identifiers: ClinVar variation 3722417 (VCV003722417.2).
Genomic context (GRCh38, chr17:31,095,347, plus strand): 5'-CGCCCCCCGGCCGCGGGGAGGACATGGCCGCGCACAGGCCGGTGGAATGGGTCCAGGCCG[TG>T]GTCAGCCGCTTCGACGAGCAGGTAACCGGCCCGTGGCGGGCGGGAGGTGGGAGCGGAGTG-3'